The following is an entry in ClinVar:

NM_001048174.2(MUTYH):c.1498G>A (p.Val500Ile)

Gene: MUTYH (mutY DNA glycosylase; minus strand). Cytogenetic location: 1p34.1.
Variant type: single nucleotide variant.
Coding change: c.1498G>A on transcript NM_001048174.2 (MANE Select); coding-DNA position 1498, G replaced by A.
Protein change: p.Val500Ile; replaces valine 500 with isoleucine.
Molecular consequence: missense variant. On other transcripts: non-coding transcript variant (2).
Genome position (GRCh38, 1-based): chr1:45,329,374, C>T on the plus strand (G>A on the coding strand, the complement: MUTYH is on the minus strand). VCF-style: chr1-45329374-C-T. GRCh37 (hg19) VCF-style: chr1-45795046-C-T.
Other names: c.1498G>A, p.Val500Ile (NM_001048171.2, NM_001048173.2, NM_001293195.2); c.1501G>A, p.Val501Ile (NM_001048172.2); c.1582G>A, p.Val528Ile (NM_001128425.2); c.1543G>A, p.Val515Ile (NM_001293190.2); c.1531G>A, p.Val511Ile (NM_001293191.2); c.1222G>A, p.Val408Ile (NM_001293192.2, NM_001293196.2); c.1153G>A, p.Val385Ile (NM_001350650.2, NM_001350651.2); c.1573G>A, p.Val525Ile (NM_012222.3); short protein forms V408I, V511I, V515I, V500I, V528I, V385I, V501I, V525I.
Identifiers: ClinVar variation 641259 (VCV000641259.15), dbSNP rs1570312447, ClinGen allele CA340131702.

ClinVar aggregate classification (germline): Uncertain significance. Review status: criteria provided, multiple submitters, no conflicts (2 of 4 stars). 5 submissions from 5 submitters: Uncertain significance (5). Last evaluated 2025-08-27.

Conditions:
Familial adenomatous polyposis 2. Also called: COLORECTAL ADENOMATOUS POLYPOSIS, AUTOSOMAL RECESSIVE; ADENOMAS, MULTIPLE COLORECTAL, AUTOSOMAL RECESSIVE; MUTYH-associated polyposis; MUTYH-related attenuated familial adenomatous polyposis; MUTYH Polyposis; Adenomas, multiple colorectal. Identifiers: Orphanet 220460, Orphanet 247798, MedGen C3272841, MONDO:0012041, OMIM 608456.
Hereditary cancer-predisposing syndrome. Also called: Neoplastic Syndromes, Hereditary; Hereditary Cancer Syndrome; Tumor predisposition; Hereditary neoplastic syndrome. Identifiers: Orphanet 140162, MedGen C0027672, MeSH D009386, MONDO:0015356.

Allele frequency attached by ClinVar (database versions not stated): gnomAD exomes below 0.00001.
gnomAD v4.1: 1 of 1,614,212 alleles (0.000062%); highest among the groups gnomAD compares: Non-Finnish European, 0.000085%; no homozygotes.

Submissions (5):

Ambry Genetics
Classification: Uncertain significance for Hereditary cancer-predisposing syndrome. Last evaluated: 2025-08-27. Review status: criteria provided, single submitter. Criteria: Ambry Variant Classification Scheme 2023. Collection method: clinical testing. Allele origin: germline.
Comment: The p.V528I variant (also known as c.1582G>A), located in coding exon 16 of the MUTYH gene, results from a G to A substitution at nucleotide position 1582. The valine at codon 528 is replaced by isoleucine, an amino acid with highly similar properties. This amino acid position is conserved. In addition, this alteration is predicted to be tolerated by in silico analysis. Based on the available evidence, the clinical significance of this variant remains unclear.

Color Diagnostics, LLC DBA Color Health
Classification: Uncertain significance for Hereditary cancer-predisposing syndrome. Last evaluated: 2025-03-03. Review status: criteria provided, single submitter. Criteria: ACMG Guidelines, 2015. Collection method: clinical testing. Allele origin: germline.
Comment: This missense variant replaces valine with isoleucine at codon 528 of the MUTYH protein. Computational prediction suggests that this variant may not impact protein structure and function (internally defined REVEL score threshold <= 0.5, PMID: 27666373). To our knowledge, functional studies have not been reported for this variant. This variant has not been reported in individuals affected with MUTYH-related disorders in the literature. This variant has not been identified in the general population by the Genome Aggregation Database (gnomAD). The available evidence is insufficient to determine the role of this variant in disease conclusively. Therefore, this variant is classified as a Variant of Uncertain Significance.

Labcorp Genetics (formerly Invitae), Labcorp
Classification: Uncertain significance for Familial adenomatous polyposis 2. Last evaluated: 2025-02-05. Review status: criteria provided, single submitter. Criteria: Invitae Variant Classification Sherloc (09022015). Collection method: clinical testing. Allele origin: germline.
Comment: This sequence change replaces valine, which is neutral and non-polar, with isoleucine, which is neutral and non-polar, at codon 528 of the MUTYH protein (p.Val528Ile). This variant is not present in population databases (gnomAD no frequency). This variant has not been reported in the literature in individuals affected with MUTYH-related conditions. ClinVar contains an entry for this variant (Variation ID: 641259). An algorithm developed to predict the effect of missense changes on protein structure and function outputs the following: PolyPhen-2: "Benign". The isoleucine amino acid residue is found in multiple mammalian species, which suggests that this missense change does not adversely affect protein function. In summary, the available evidence is currently insufficient to determine the role of this variant in disease. Therefore, it has been classified as a Variant of Uncertain Significance.

Baylor Genetics
Classification: Uncertain significance for Familial adenomatous polyposis 2. Last evaluated: 2024-01-08. Review status: criteria provided, single submitter. Criteria: ACMG Guidelines, 2015. Collection method: clinical testing. Allele origin: unknown.

GeneDx
Classification: Uncertain significance. Last evaluated: 2022-04-04. Review status: criteria provided, single submitter. Criteria: GeneDx Variant Classification Process June 2021. Collection method: clinical testing. Allele origin: germline. Affected: yes.
Comment: Not observed at significant frequency in large population cohorts (gnomAD); In silico analysis supports that this missense variant does not alter protein structure/function; Has not been previously published as pathogenic or benign to our knowledge